The following is an entry in ClinVar:

ClinVar aggregate classification (germline): Pathogenic. Review status: criteria provided, multiple submitters, no conflicts (2 of 4 stars). 2 submissions from 2 submitters: Pathogenic (2). Last evaluated 2023-02-22.

Conditions:
Polycystic kidney disease, adult type (PKD1). Also called: Polycystic Kidney, Autosomal Dominant; Polycystic Kidney Disease 1, Autosomal Dominant; Polycystic kidney disease 1; Polycystic kidney disease 1, severe; POLYCYSTIC KIDNEY DISEASE, ADULT, TYPE I; POLYCYSTIC KIDNEY DISEASE 1 WITH OR WITHOUT POLYCYSTIC LIVER DISEASE. Identifiers: MedGen C3149841, MONDO:0008263, OMIM 173900.

Submissions (2):

Athena Diagnostics
Classification: Pathogenic. Last evaluated: 2023-02-22. Review status: criteria provided, single submitter. Criteria: Athena Diagnostics Criteria. Collection method: clinical testing. Allele origin: unknown.
Comment: This variant is expected to result in the loss of a functional protein. This variant has been identified in at least one individual with clinical features associated with this gene. This variant has not been reported in large, multi-ethnic general populations.

Medical Molecular Genetics Department, National Research Center
Classification: Pathogenic for Polycystic kidney disease 1. Review status: criteria provided, single submitter. Criteria: ACMG Guidelines, 2015. Collection method: research. Allele origin: germline. Inheritance: Autosomal dominant inheritance. Affected: yes.

NM_001009944.3(PKD1):c.9013C>T (p.Gln3005Ter)

Gene: PKD1 (polycystin 1, transient receptor potential channel interacting; minus strand). Cytogenetic location: 16p13.3.
Variant type: single nucleotide variant.
Coding change: c.9013C>T on transcript NM_001009944.3 (MANE Select); coding-DNA position 9013, C replaced by T.
Protein change: p.Gln3005Ter; replaces glutamine 3005 with a stop codon.
Molecular consequence: nonsense.
Genome position (GRCh38, 1-based): chr16:2,102,569, G>A on the plus strand (C>T on the coding strand, the complement: PKD1 is on the minus strand). VCF-style: chr16-2102569-G-A. GRCh37 (hg19) VCF-style: chr16-2152570-G-A.
Other names: c.9013C>T, p.Gln3005Ter (NM_000296.4); short protein forms Q3005*.
Identifiers: ClinVar variation 2684298 (VCV002684298.2), dbSNP rs1063401, ClinGen allele CA394360908.
Genomic context (GRCh38, chr16:2,102,569, plus strand): 5'-ACACCATGTCCTCCTCGCTGAAGTACTGGCACAGGGACGTGTACAGGCCCACGGACACCT[G>A]CAGCGCCGACCAGCGGAAGTGGCTGGAGAGGTTCAGATGGTAACTCCCCGCTGGGTCTCT-3'